The following is an entry in ClinVar:

ClinVar aggregate classification (germline): Likely benign (1 of 4 stars; one submission).

gnomAD v4.1: 157 of 152,252 alleles (0.1%); highest among the groups gnomAD compares: Middle Eastern, 1%; no homozygotes.

Submission:

CeGaT Center for Human Genetics Tuebingen
Classification: Likely benign. Last evaluated: 2026-04-01. Review status: criteria provided, single submitter. Criteria: CeGaT Center For Human Genetics Tuebingen Variant Classification Criteria Version 2. Collection method: clinical testing. Allele origin: germline. Affected: yes. Observed: 2 variant alleles.
Comment: SLC1A3: BS2

NM_004172.5(SLC1A3):c.861-263C>T

Genes: SLC1A3 (solute carrier family 1 member 3; plus strand), SLC1A3-AS1 (SLC1A3 antisense RNA 1; minus strand). Cytogenetic location: 5p13.2.
Variant type: single nucleotide variant.
Coding change: c.861-263C>T on transcript NM_004172.5 (MANE Select); 263 bases into the intron before coding-DNA position 861, C replaced by T.
Molecular consequence: intron variant. On other transcripts: missense variant (1).
Genome position (GRCh38, 1-based): chr5:36,679,364, C>T. VCF-style: chr5-36679364-C-T. GRCh37 (hg19) VCF-style: chr5-36679466-C-T.
Other names: c.875C>T, p.Thr292Ile (NM_001438458.1); c.861-263C>T (NM_001438455.1, NM_001438456.1, NM_001438454.1 and 3 more transcripts); c.579-263C>T (NM_001438460.1); c.561-263C>T (NM_001438461.1); c.540-263C>T (NM_001438462.1); c.525-263C>T (NM_001289940.2); c.723-263C>T (NM_001289939.2); short protein forms T292I.
Identifiers: ClinVar variation 4822557 (VCV004822557.4).